The following is an entry in ClinVar:

ClinVar aggregate classification (germline): Pathogenic (1 of 4 stars; one submission).

Submission:

CeGaT Center for Human Genetics Tuebingen
Classification: Pathogenic. Last evaluated: 2024-05-01. Review status: criteria provided, single submitter. Criteria: CeGaT Center For Human Genetics Tuebingen Variant Classification Criteria Version 2. Collection method: clinical testing. Allele origin: germline. Affected: yes. Observed: 1 variant allele.
Comment: SPG11: PVS1, PM2, PM3:Supporting

NM_025137.4(SPG11):c.5156_5162del (p.Glu1719fs)

Gene: SPG11 (SPG11 vesicle trafficking associated, spatacsin; minus strand). Cytogenetic location: 15q21.1.
Variant type: Deletion.
Coding change: c.5156_5162del on transcript NM_025137.4 (MANE Select); coding-DNA positions 5156 to 5162, 7 bases deleted (AACAGTG; older notation c.5156_5162delAACAGTG).
Protein change: p.Glu1719fs; shifts the reading frame from glutamic acid 1719.
Molecular consequence: frameshift variant. On other transcripts: intron variant (1).
Genome position (GRCh38, 1-based): chr15:44,584,518-44,584,524, CACTGTT deleted on the plus strand (AACAGTG on the coding strand, the reverse complement: SPG11 is on the minus strand); deleting any 7 consecutive bases within chr15:44,584,518-44,584,526 gives the same sequence; the c. name uses the placement nearest the transcript's 3' end. VCF-style (leftmost placement, unchanged base first): chr15-44584517-CCACTGTT-C. GRCh37 (hg19) VCF-style: chr15-44876715-CCACTGTT-C.
Other names: c.5156_5162del, p.Glu1719fs (NM_001160227.2); c.5122-110_5122-104del (NM_001411132.1); short protein forms E1719fs.
Identifiers: ClinVar variation 3239474 (VCV003239474.19), dbSNP rs1381237268.